The following is an entry in ClinVar:

NM_000059.4(BRCA2):c.9872C>G (p.Ser3291Cys)

Gene: BRCA2 (BRCA2 DNA repair associated; plus strand). Cytogenetic location: 13q13.1.
Variant type: single nucleotide variant.
Coding change: c.9872C>G on transcript NM_000059.4 (MANE Select); coding-DNA position 9872, C replaced by G.
Protein change: p.Ser3291Cys; replaces serine 3291 with cysteine.
Molecular consequence: missense variant.
Genome position (GRCh38, 1-based): chr13:32,398,385, C>G. VCF-style: chr13-32398385-C-G. GRCh37 (hg19) VCF-style: chr13-32972522-C-G.
Other names: short protein forms S3291C.
Identifiers: ClinVar variation 135821 (VCV000135821.32), dbSNP rs200210279, ClinGen allele CA026318.

ClinVar aggregate classification (germline): Conflicting classifications of pathogenicity. Review status: criteria provided, conflicting classifications (1 of 4 stars). 9 submissions from 9 submitters: Uncertain significance (5); Likely benign (3). 1 of the submissions does not count toward it. Last evaluated 2025-08-25.

Conditions:
Hereditary cancer-predisposing syndrome. Also called: Tumor predisposition; Hereditary neoplastic syndrome; Neoplastic Syndromes, Hereditary; Hereditary Cancer Syndrome. Identifiers: Orphanet 140162, MedGen C0027672, MeSH D009386, MONDO:0015356.
Hereditary breast ovarian cancer syndrome. Also called: Hereditary breast and ovarian cancer; BRCA1- and BRCA2-Associated Hereditary Breast and Ovarian Cancer; Hereditary breast and/or ovarian cancer syndrome; Hereditary breast and ovarian cancer syndrome; Hereditary breast and ovarian cancer syndrome (HBOC); Breast and ovarian cancer. Identifiers: Orphanet 145, MedGen C0677776, MeSH D061325, MONDO:0003582. Disease mechanism: loss of function.
Breast-ovarian cancer, familial, susceptibility to, 2 (BROVCA2). Also called: BRCA2 Hereditary Breast and Ovarian Cancer. Identifiers: Orphanet 145, MedGen C2675520, MONDO:0012933, OMIM 612555. Disease mechanism: loss of function.

Allele frequency attached by ClinVar (database versions not stated): ExAC 0.00003; gnomAD 0.00008; gnomAD exomes 0.00009 and 0.00011; 1000 Genomes Project 30x 0.00016; 1000 Genomes Project 0.00020.

Submissions (9):

Labcorp Genetics (formerly Invitae), Labcorp
Classification: Likely benign for Hereditary breast ovarian cancer syndrome. Last evaluated: 2025-08-25. Review status: criteria provided, single submitter. Criteria: Invitae Variant Classification Sherloc (09022015). Collection method: clinical testing. Allele origin: germline.

Blueprint Genetics
Classification: Likely benign. Last evaluated: 2024-11-21. Review status: criteria provided, single submitter. Criteria: ACMG Guidelines, 2015. Collection method: clinical testing. Allele origin: germline.

All of Us Research Program, National Institutes of Health
Classification: Uncertain significance for Breast-ovarian cancer, familial, susceptibility to, 2. Last evaluated: 2023-11-20. Review status: criteria provided, single submitter. Criteria: ACMG Guidelines, 2015. Collection method: clinical testing. Allele origin: germline. Inheritance: Autosomal dominant inheritance. Observed: 3 variant alleles, 3 heterozygotes.
Comment: This missense variant replaces serine with cysteine at codon 3291 of the BRCA2 protein. Computational prediction suggests that this variant may not impact protein structure and function (internally defined REVEL score threshold <= 0.5, PMID: 27666373). The reference amino acid, serine 3291, has been reported to be important for homology-mediated DNA repair (PMID: 15800615, 22194698). However, a functional study in BRCA2-deficient mouse embryonic stem cell reported no impact on cell viability, homology-mediated DNA repair activity, or cisplatin sensitivity (PMID: 29988080). Additional functional studies have reported increased sensitivity to some PARP inhibitors (PMID: 32444794) and reduced RAD51 interaction in a mammalian two-hybrid assay (PMID: 35409418). This variant has been observed in individuals affected with breast cancer and in healthy individuals (PMID: 25452441, 29341116, 33471991). In a large breast cancer case-control meta analysis conducted by the BRIDGES consortium, this variant was reported in 1/60466 cases and 2/53461 unaffected controls (PMID: 33471991; Leiden Open Variation Database DB-ID BRCA2_008826). This variant has been identified in 26/282584 chromosomes in the general population by the Genome Aggregation Database (gnomAD). The available evidence is insufficient to determine the role of this variant in disease conclusively. Therefore, this variant is classified as a Variant of Uncertain Significance.

This study involves interpretation of variants in research participants for the purpose of population health screening. Participant phenotype was not available at the time of variant classification. Additional details can be found in publication PMID: 35346344, PMCID: PMC8962531

Color Diagnostics, LLC DBA Color Health
Classification: Uncertain significance for Hereditary cancer-predisposing syndrome. Last evaluated: 2023-11-02. Review status: criteria provided, single submitter. Criteria: ACMG Guidelines, 2015. Collection method: clinical testing. Allele origin: germline.
Comment: This missense variant replaces serine with cysteine at codon 3291 of the BRCA2 protein. Computational prediction suggests that this variant may not impact protein structure and function (internally defined REVEL score threshold <= 0.5, PMID: 27666373). The reference amino acid, serine 3291, has been reported to be important for homology-mediated DNA repair (PMID: 15800615, 22194698). However, a functional study in BRCA2-deficient mouse embryonic stem cell reported no impact on cell viability, homology-mediated DNA repair activity, or cisplatin sensitivity (PMID: 29988080). Additional functional studies have reported increased sensitivity to some PARP inhibitors (PMID: 32444794) and reduced RAD51 interaction in a mammalian two-hybrid assay (PMID: 35409418). This variant has been observed in individuals affected with breast cancer and in healthy individuals (PMID: 25452441, 29341116, 33471991). In a large breast cancer case-control meta analysis conducted by the BRIDGES consortium, this variant was reported in 1/60466 cases and 2/53461 unaffected controls (PMID: 33471991; Leiden Open Variation Database DB-ID BRCA2_008826). This variant has been identified in 26/282584 chromosomes in the general population by the Genome Aggregation Database (gnomAD). The available evidence is insufficient to determine the role of this variant in disease conclusively. Therefore, this variant is classified as a Variant of Uncertain Significance.

GeneDx
Classification: Uncertain significance. Last evaluated: 2023-10-09. Review status: criteria provided, single submitter. Criteria: GeneDx Variant Classification Process June 2021. Collection method: clinical testing. Allele origin: germline. Affected: yes.
Comment: In silico analysis supports that this missense variant does not alter protein structure/function; Also known as 10100C>G; This variant is associated with the following publications: (PMID: 17515904, 15800615, 17541404, 16914443, 35409418, 9126738, 22194698, 32444794, 32377563, 29884841, 31853058, 29341116, 29988080, 25452441)

Clinical Genetics Laboratory, Skane University Hospital Lund
Classification: Uncertain significance. Last evaluated: 2023-09-20. Review status: criteria provided, single submitter. Criteria: ACMG Guidelines, 2015. Collection method: clinical testing. Allele origin: germline. Affected: yes.

Women's Health and Genetics/Laboratory Corporation of America, LabCorp
Classification: Uncertain significance. Last evaluated: 2022-05-14. Review status: criteria provided, single submitter. Criteria: LabCorp Variant Classification Summary - May 2015. Collection method: clinical testing. Allele origin: germline.
Comment: Variant summary: BRCA2 c.9872C>G (p.Ser3291Cys) results in a non-conservative amino acid change in the encoded protein sequence. Four of five in-silico tools predict a damaging effect of the variant on protein function. The variant allele was found at a frequency of 8.8e-05 in 251200 control chromosomes. This frequency is not significantly higher than estimated for a pathogenic variant in BRCA2 causing Hereditary Breast And Ovarian Cancer Syndrome (8.8e-05 vs 0.00075), allowing no conclusion about variant significance. c.9872C>G has been reported in the literature in settings of multigene panel testing among a cohort of triple-negative breast cancer cohort unselected for family history of breast cancer (example, Couch_2015). These report(s) do not provide unequivocal conclusions about association of the variant with Hereditary Breast And Ovarian Cancer Syndrome. At least two publications report experimental evidence evaluating an impact on protein function (example, Ikegami_2020, Mesman_2018). The most pronounced variant effect results in 81% of normal homology directed repair (HDR) activity in a mouse embryonic stem cell (mESC)-based functional assay. Four clinical diagnostic laboratories have submitted clinical-significance assessments for this variant to ClinVar after 2014 (VUS, n=3; Likely Benign, n=1). Based on the evidence outlined above, the variant was classified as uncertain significance.

Ambry Genetics
Classification: Likely benign for Hereditary cancer-predisposing syndrome. Last evaluated: 2019-12-18. Review status: criteria provided, single submitter. Criteria: Ambry Variant Classification Scheme 2023. Collection method: clinical testing. Allele origin: germline.

BRCAlab, Lund University
Classification: Uncertain significance for Breast-ovarian cancer, familial, susceptibility to, 2. Last evaluated: 2020-03-02. Review status: no assertion criteria provided. Collection method: clinical testing. Allele origin: germline. Affected: yes. Not counted in ClinVar's aggregate classification.

Literature cited by the submitters: PubMed 15800615 (cited by 4 submitters); PubMed 22194698 (cited by 3 submitters); PubMed 25452441 (cited by 4 submitters); PubMed 29341116 (cited by All of Us Research Program, National Institutes of Health and Color Diagnostics, LLC DBA Color Health); PubMed 29988080 (cited by 4 submitters); PubMed 32444794 (cited by 3 submitters); PubMed 33471991 (cited by All of Us Research Program, National Institutes of Health and Color Diagnostics, LLC DBA Color Health); PubMed 35409418 (cited by All of Us Research Program, National Institutes of Health and Color Diagnostics, LLC DBA Color Health); PubMed 17515904 (cited by Women's Health and Genetics/Laboratory Corporation of America, LabCorp); PubMed 16914443 (cited by Women's Health and Genetics/Laboratory Corporation of America, LabCorp); PubMed 17541404 (cited by Women's Health and Genetics/Laboratory Corporation of America, LabCorp).